The following is an entry in ClinVar:

NM_170665.4(ATP2A2):c.2735T>C (p.Leu912Pro)

Genes: ATP2A2 (ATPase sarcoplasmic/endoplasmic reticulum Ca2+ transporting 2; plus strand), LOC126861638 (MED14-independent group 3 enhancer GRCh37_chr12:110782389-110783588; plus strand). Cytogenetic location: 12q24.11.
Variant type: single nucleotide variant.
Coding change: c.2735T>C on transcript NM_170665.4 (MANE Select); coding-DNA position 2735, T replaced by C.
Protein change: p.Leu912Pro; replaces leucine 912 with proline.
Molecular consequence: missense variant.
Genome position (GRCh38, 1-based): chr12:110,345,376, T>C. VCF-style: chr12-110345376-T-C. GRCh37 (hg19) VCF-style: chr12-110783181-T-C.
Other names: c.2735T>C, p.Leu912Pro (NM_001681.4); short protein forms L912P.
Identifiers: ClinVar variation 427105 (VCV000427105.2), dbSNP rs1085307960, ClinGen allele CA386677562.

ClinVar aggregate classification (germline): Likely pathogenic (1 of 4 stars; one submission).

Submission:

GeneDx
Classification: Likely pathogenic. Last evaluated: 2015-06-08. Review status: criteria provided, single submitter. Criteria: GeneDx Variant Classification (06012015). Collection method: clinical testing. Allele origin: germline. Affected: yes.
Comment: The L912P variant in the ATP2A2 gene has not been published as a pathogenic variant, nor has it been reported as a benign polymorphism to our knowledge. The L912P variant was not observed in approximately 6500 individuals of European and African American ancestry in the NHLBI Exome Sequencing Project, indicating it is not a common benign variant in these populations. The L912P variant is a semi-conservative amino acid substitution, which may impact secondary protein structure as these residues differ in some properties. This substitution occurs at a position within the 8th transmembrane domain that is conserved across species. In silico analysis predicts this variant is probably damaging to the protein structure/function. Missense variants in nearby residues (E907D, N910D, S916Y, E917K, S920F, S920Y) have been reported in the Human Gene Mutation Database in association with Darier disease (Stenson et al., 2014), supporting the functional importance of this region of the protein. The L912P variant is a strong candidate for a disease-causing variant, however the possibility it may be a rare benign variant cannot be excluded.